The following is an entry in ClinVar:

NM_182641.4(BPTF):c.6805C>A (p.Gln2269Lys)

Gene: BPTF (bromodomain PHD finger transcription factor; plus strand). Cytogenetic location: 17q24.2.
Variant type: single nucleotide variant.
Coding change: c.6805C>A on transcript NM_182641.4 (MANE Select); coding-DNA position 6805, C replaced by A.
Protein change: p.Gln2269Lys; replaces glutamine 2269 with lysine.
Molecular consequence: missense variant.
Genome position (GRCh38, 1-based): chr17:67,945,513, C>A. VCF-style: chr17-67945513-C-A. GRCh37 (hg19) VCF-style: chr17-65941629-C-A.
Other names: c.7183C>A, p.Gln2395Lys (NM_004459.7); short protein forms Q2269K, Q2395K.
Identifiers: ClinVar variation 3712752 (VCV003712752.2).

ClinVar aggregate classification (germline): Uncertain significance (1 of 4 stars; one submission).

gnomAD v4.1: 1 of 1,613,962 alleles (0.000062%); highest among the groups gnomAD compares: African/African-American, 0.0013%; no homozygotes.

Submission:

Labcorp Genetics (formerly Invitae), Labcorp
Classification: Uncertain significance. Last evaluated: 2024-08-08. Review status: criteria provided, single submitter. Criteria: Invitae Variant Classification Sherloc (09022015). Collection method: clinical testing. Allele origin: germline.
Comment: This sequence change replaces glutamine, which is neutral and polar, with lysine, which is basic and polar, at codon 2395 of the BPTF protein (p.Gln2395Lys). This variant is not present in population databases (gnomAD no frequency). This variant has not been reported in the literature in individuals affected with BPTF-related conditions. An algorithm developed to predict the effect of missense changes on protein structure and function (PolyPhen-2) suggests that this variant is likely to be tolerated. In summary, the available evidence is currently insufficient to determine the role of this variant in disease. Therefore, it has been classified as a Variant of Uncertain Significance.